The following is an entry in ClinVar:

ClinVar aggregate classification (germline): Likely benign (0 of 4 stars; one submission).

Conditions:
PPFIA1-related disorder. Also called: PPFIA1-related condition.

Allele frequency attached by ClinVar (database versions not stated): TOPMed below 0.00001; gnomAD 0.00001; ExAC 0.00002; gnomAD exomes 0.00002.
gnomAD v4.1: 30 of 1,605,240 alleles (0.0019%); highest among the groups gnomAD compares: Non-Finnish European, 0.0023%; no homozygotes.

Submission:

PreventionGenetics, part of Exact Sciences
Classification: Likely benign for PPFIA1-related condition. Last evaluated: 2019-07-29. Review status: no assertion criteria provided. Collection method: clinical testing. Allele origin: germline.
Comment: This variant is classified as likely benign based on ACMG/AMP sequence variant interpretation guidelines (Richards et al. 2015 PMID: 25741868, with internal and published modifications).

NM_003626.5(PPFIA1):c.1203G>A (p.Ala401=)

Gene: PPFIA1 (PTPRF interacting protein alpha 1; plus strand). Cytogenetic location: 11q13.3.
Variant type: single nucleotide variant.
Coding change: c.1203G>A on transcript NM_003626.5 (MANE Select); coding-DNA position 1203, G replaced by A.
Protein change: p.Ala401=; no amino-acid change (alanine 401 retained).
Molecular consequence: synonymous variant. On other transcripts: non-coding transcript variant (1).
Genome position (GRCh38, 1-based): chr11:70,332,085, G>A. VCF-style: chr11-70332085-G-A. GRCh37 (hg19) VCF-style: chr11-70178191-G-A.
Other names: c.1203G>A, p.Ala401= (NM_001378006.1, NM_177423.3).
Identifiers: ClinVar variation 3035612 (VCV003035612.2), dbSNP rs775657756, ClinGen allele CA6158888.